The following is an entry in ClinVar:

NM_003060.4(SLC22A5):c.1006C>T (p.Arg336Ter)

Gene: SLC22A5 (solute carrier family 22 member 5; plus strand). Cytogenetic location: 5q31.1.
Variant type: single nucleotide variant.
Coding change: c.1006C>T on transcript NM_003060.4 (MANE Select); coding-DNA position 1006, C replaced by T.
Protein change: p.Arg336Ter; replaces arginine 336 with a stop codon.
Molecular consequence: nonsense.
Genome position (GRCh38, 1-based): chr5:132,388,975, C>T. VCF-style: chr5-132388975-C-T. GRCh37 (hg19) VCF-style: chr5-131724667-C-T.
Other names: c.1078C>T, p.Arg360Ter (NM_001308122.2); short protein forms R336*, R360*.
Identifiers: ClinVar variation 971074 (VCV000971074.45), dbSNP rs754008420, ClinGen allele CA3404038.

ClinVar aggregate classification (germline): Pathogenic/Likely pathogenic. Review status: criteria provided, multiple submitters, no conflicts (2 of 4 stars). 9 submissions from 9 submitters: Pathogenic (5); Likely pathogenic (4). Last evaluated 2026-01-11.

Conditions:
SLC22A5-related disorder. Also called: SLC22A5-related condition.
Renal carnitine transport defect (CDSP). Also called: Primary carnitine deficiency; Systemic primary carnitine deficiency; Systemic primary carnitine deficiency disease; CARNITINE DEFICIENCY, SYSTEMIC, DUE TO DEFECT IN RENAL REABSORPTION OF CARNITINE; CARNITINE TRANSPORTER, PLASMA-MEMBRANE, DEFICIENCY OF; CARNITINE UPTAKE DEFECT. Identifiers: Orphanet 158, MedGen C0342788, MONDO:0008919, OMIM 212140.

Allele frequency attached by ClinVar (database versions not stated): ExAC 0.00001; gnomAD exomes 0.00001 and 0.00002.

Submissions (9):

Labcorp Genetics (formerly Invitae), Labcorp
Classification: Pathogenic for Renal carnitine transport defect. Last evaluated: 2026-01-11. Review status: criteria provided, single submitter. Criteria: Invitae Variant Classification Sherloc (09022015). Collection method: clinical testing. Allele origin: germline.
Comment: This sequence change creates a premature translational stop signal (p.Arg336*) in the SLC22A5 gene. It is expected to result in an absent or disrupted protein product. Loss-of-function variants in SLC22A5 are known to be pathogenic (PMID: 9916797). This variant is present in population databases (rs754008420, gnomAD 0.003%). This variant has not been reported in the literature in individuals affected with SLC22A5-related conditions. ClinVar contains an entry for this variant (Variation ID: 971074). For these reasons, this variant has been classified as Pathogenic.

3billion
Classification: Pathogenic for Renal carnitine transport defect. Last evaluated: 2025-08-20. Review status: criteria provided, single submitter. Criteria: ACMG Guidelines, 2015. Collection method: clinical testing. Allele origin: germline. Affected: yes.
Comment: The variant is observed at an extremely low frequency in the gnomAD v4.1.0 dataset (total allele frequency: 0.002%). Predicted Consequence/Location: Stop-gained (nonsense): predicted to result in a loss or disruption of normal protein function through nonsense-mediated decay (NMD) or protein truncation. Multiple pathogenic variants are reported downstream of the variant. The variant has been reported at least twice as pathogenic with clinical assertions and evidence for the classification (ClinVar ID: VCV000971074 /PMID: 36636599). Therefore, this variant is classified as Pathogenic according to the recommendation of ACMG/AMP guideline.

Fulgent Genetics
Classification: Pathogenic for Renal carnitine transport defect. Last evaluated: 2024-03-20. Review status: criteria provided, single submitter. Criteria: ACMG Guidelines, 2015. Collection method: clinical testing. Allele origin: germline.

Baylor Genetics
Classification: Likely pathogenic for Renal carnitine transport defect. Last evaluated: 2024-02-07. Review status: criteria provided, single submitter. Criteria: ACMG Guidelines, 2015. Collection method: clinical testing. Allele origin: unknown.

Blueprint Genetics
Classification: Likely pathogenic for SLC22A5-related disorders. Last evaluated: 2024-01-12. Review status: criteria provided, single submitter. Criteria: ACMG Guidelines, 2015. Collection method: clinical testing. Allele origin: germline. Affected: yes. Observed: 3 variant alleles.

Women's Health and Genetics/Laboratory Corporation of America, LabCorp
Classification: Likely pathogenic for Renal carnitine transport defect. Last evaluated: 2023-03-23. Review status: criteria provided, single submitter. Criteria: LabCorp Variant Classification Summary - May 2015. Collection method: clinical testing. Allele origin: germline.
Comment: Variant summary: SLC22A5 c.1006C>T (p.Arg336X) results in a premature termination codon, predicted to cause a truncation of the encoded protein or absence of the protein due to nonsense mediated decay, which are commonly known mechanisms for disease. Truncations downstream of this position have been classified as pathogenic by our laboratory. The variant allele was found at a frequency of 8e-06 in 251462 control chromosomes (gnomAD). c.1006C>T has been reported in the literature in a compound heterozygous individual affected with Systemic Primary Carnitine Deficiency (Louis_2023). To our knowledge, no experimental evidence demonstrating an impact on protein function has been reported. Three clinical diagnostic laboratories have submitted clinical-significance assessments for this variant to ClinVar after 2014, and classified the variant as pathogenic (n=2) or likely pathogenic (n=1). Based on the evidence outlined above, the variant was classified as likely pathogenic.

CeGaT Center for Human Genetics Tuebingen
Classification: Pathogenic. Last evaluated: 2022-12-01. Review status: criteria provided, single submitter. Criteria: CeGaT Center For Human Genetics Tuebingen Variant Classification Criteria Version 2. Collection method: clinical testing. Allele origin: germline. Affected: yes. Observed: 1 variant allele.
Comment: SLC22A5: PVS1, PM2

Revvity Omics, Revvity
Classification: Likely pathogenic for Renal carnitine transport defect. Last evaluated: 2022-04-27. Review status: criteria provided, single submitter. Criteria: ACMG Guidelines, 2015. Collection method: clinical testing. Allele origin: germline.

Kariminejad - Najmabadi Pathology & Genetics Center
Classification: Pathogenic for Renal carnitine transport defect. Review status: criteria provided, single submitter. Criteria: ACMG Guidelines, 2015. Collection method: clinical testing. Allele origin: germline. Affected: no.

Literature cited by the submitters: PubMed 9916797 (cited by Labcorp Genetics (formerly Invitae), Labcorp); PubMed 36636599 (cited by 3billion and Women's Health and Genetics/Laboratory Corporation of America, LabCorp).